The following is an entry in ClinVar:

NM_032043.3(BRIP1):c.1121A>G (p.Asp374Gly)

Gene: BRIP1 (BRCA1 interacting DNA helicase 1; minus strand). Cytogenetic location: 17q23.2.
Variant type: single nucleotide variant.
Coding change: c.1121A>G on transcript NM_032043.3 (MANE Select); coding-DNA position 1121, A replaced by G.
Protein change: p.Asp374Gly; replaces aspartic acid 374 with glycine.
Molecular consequence: missense variant.
Genome position (GRCh38, 1-based): chr17:61,801,272, T>C on the plus strand (A>G on the coding strand, the complement: BRIP1 is on the minus strand). VCF-style: chr17-61801272-T-C. GRCh37 (hg19) VCF-style: chr17-59878633-T-C.
Other names: short protein forms D374G.
Identifiers: ClinVar variation 818360 (VCV000818360.7), dbSNP rs1603343117, ClinGen allele CA400483889.

ClinVar aggregate classification (germline): Uncertain significance. Review status: criteria provided, multiple submitters, no conflicts (2 of 4 stars). 3 submissions from 3 submitters: Uncertain significance (3). Last evaluated 2025-09-19.

Conditions:
Familial cancer of breast. Also called: Hereditary breast cancer; hereditary breast carcinoma; BREAST CANCER, FAMILIAL. Identifiers: Orphanet 227535, MedGen C0346153, MONDO:0016419, OMIM 114480. Disease mechanism: loss of function.
Fanconi anemia complementation group J. Also called: BRIP1-Related Fanconi Anemia. Identifiers: Orphanet 84, MedGen C1836860, MONDO:0012187, OMIM 609054.
Hereditary cancer-predisposing syndrome. Also called: Hereditary Cancer Syndrome; Neoplastic Syndromes, Hereditary; Hereditary neoplastic syndrome; Tumor predisposition. Identifiers: Orphanet 140162, MedGen C0027672, MeSH D009386, MONDO:0015356.

Submissions (3):

Ambry Genetics
Classification: Uncertain significance for Hereditary cancer-predisposing syndrome. Last evaluated: 2025-09-19. Review status: criteria provided, single submitter. Criteria: Ambry Variant Classification Scheme 2023. Collection method: clinical testing. Allele origin: germline.
Comment: The p.D374G variant (also known as c.1121A>G), located in coding exon 7 of the BRIP1 gene, results from an A to G substitution at nucleotide position 1121. The aspartic acid at codon 374 is replaced by glycine, an amino acid with similar properties. This amino acid position is highly conserved in available vertebrate species. In addition, this alteration is predicted to be deleterious by in silico analysis. Since supporting evidence is limited at this time, the clinical significance of this alteration remains unclear.

Labcorp Genetics (formerly Invitae), Labcorp
Classification: Uncertain significance for Familial cancer of breast; Fanconi anemia complementation group J. Last evaluated: 2025-07-21. Review status: criteria provided, single submitter. Criteria: Invitae Variant Classification Sherloc (09022015). Collection method: clinical testing. Allele origin: germline.
Comment: This sequence change replaces aspartic acid, which is acidic and polar, with glycine, which is neutral and non-polar, at codon 374 of the BRIP1 protein (p.Asp374Gly). This variant is not present in population databases (gnomAD no frequency). This variant has not been reported in the literature in individuals affected with BRIP1-related conditions. ClinVar contains an entry for this variant (Variation ID: 818360). Invitae Evidence Modeling of protein sequence and biophysical properties (such as structural, functional, and spatial information, amino acid conservation, physicochemical variation, residue mobility, and thermodynamic stability) indicates that this missense variant is expected to disrupt BRIP1 protein function with a positive predictive value of 95%. In summary, the available evidence is currently insufficient to determine the role of this variant in disease. Therefore, it has been classified as a Variant of Uncertain Significance.

Baylor Genetics
Classification: Uncertain significance for Familial cancer of breast. Last evaluated: 2023-09-13. Review status: criteria provided, single submitter. Criteria: ACMG Guidelines, 2015. Collection method: clinical testing. Allele origin: unknown.